The following is an entry in ClinVar:

NM_001079802.2(FKTN):c.183dup (p.Ile62fs)

Gene: FKTN (fukutin; plus strand). Cytogenetic location: 9q31.2.
Variant type: Duplication.
Coding change: c.183dup on transcript NM_001079802.2 (MANE Select); coding-DNA position 183, one base duplicated (T; older notation c.183dupT).
Protein change: p.Ile62fs; shifts the reading frame from isoleucine 62.
Molecular consequence: frameshift variant. On other transcripts: 5 prime UTR variant (4), non-coding transcript variant (2).
Genome position (GRCh38, 1-based): chr9:105,601,162, T duplicated; the last of 3 consecutive T bases (chr9:105,601,160-105,601,162); duplicating any one gives the same sequence. VCF-style (leftmost placement, unchanged base first): chr9-105601159-A-AT. GRCh37 (hg19) VCF-style: chr9-108363440-A-AT.
Other names: c.183dup, p.Ile62fs (NM_001198963.2, NM_001351496.2, NM_001351498.2 and 1 more transcripts); c.114dup, p.Ile39fs (NM_001351497.2); c.-332dup (NM_001351499.2, NM_001351500.2, NM_001351501.2 and 1 more transcripts); short protein forms I39fs, I62fs.
Identifiers: ClinVar variation 5015026 (VCV005015026.1).

ClinVar aggregate classification (germline): Pathogenic (1 of 4 stars; one submission).

Conditions:
Myopathy caused by variation in FKTN. Identifiers: MedGen CN305638, MONDO:0700067.

Submission:

Myriad Genetics, Inc.
Classification: Pathogenic for Myopathy caused by variation in FKTN. Last evaluated: 2025-09-28. Review status: criteria provided, single submitter. Criteria: Myriad Autosomal Dominant, Autosomal Recessive and X-Linked Classification Criteria (2023). Collection method: clinical testing. Allele origin: unknown.
Comment: NM_001079802.1(FKTN):c.183dupT(I62Yfs*15) is expected to be pathogenic in the context of FKTN-related disorders. This variant is predicted to lead to an abnormal or absent protein product due to the creation of a premature termination codon in FKTN, a gene where loss-of-function variants are known to be pathogenic. Please note: this variant was assessed in the context of healthy population screening.